The following is an entry in ClinVar:

ClinVar aggregate classification (germline): Uncertain significance (1 of 4 stars; one submission).

Allele frequency attached by ClinVar (database versions not stated): gnomAD exomes below 0.00001.
gnomAD v4.1: 1 of 1,609,518 alleles (0.000062%); highest among the groups gnomAD compares: Admixed American, 0.0017%; no homozygotes.

Submission:

Labcorp Genetics (formerly Invitae), Labcorp
Classification: Uncertain significance. Last evaluated: 2021-10-20. Review status: criteria provided, single submitter. Criteria: Invitae Variant Classification Sherloc (09022015). Collection method: clinical testing. Allele origin: germline.
Comment: In summary, the available evidence is currently insufficient to determine the role of this variant in disease. Therefore, it has been classified as a Variant of Uncertain Significance. Advanced modeling of protein sequence and biophysical properties (such as structural, functional, and spatial information, amino acid conservation, physicochemical variation, residue mobility, and thermodynamic stability) performed at Invitae indicates that this missense variant is expected to disrupt CLCN7 protein function. This variant has not been reported in the literature in individuals affected with CLCN7-related conditions. The frequency data for this variant in the population databases is considered unreliable, as metrics indicate poor data quality at this position in the gnomAD database. This sequence change replaces glycine, which is neutral and non-polar, with glutamic acid, which is acidic and polar, at codon 529 of the CLCN7 protein (p.Gly529Glu).

NM_001287.6(CLCN7):c.1586G>A (p.Gly529Glu)

Gene: CLCN7 (chloride voltage-gated channel 7; minus strand). Cytogenetic location: 16p13.3.
Variant type: single nucleotide variant.
Coding change: c.1586G>A on transcript NM_001287.6 (MANE Select); coding-DNA position 1586, G replaced by A.
Protein change: p.Gly529Glu; replaces glycine 529 with glutamic acid.
Molecular consequence: missense variant.
Genome position (GRCh38, 1-based): chr16:1,450,528, C>T on the plus strand (G>A on the coding strand, the complement: CLCN7 is on the minus strand). VCF-style: chr16-1450528-C-T. GRCh37 (hg19) VCF-style: chr16-1500529-C-T.
Other names: c.1514G>A, p.Gly505Glu (NM_001114331.3); short protein forms G505E, G529E.
Identifiers: ClinVar variation 1346017 (VCV001346017.6), dbSNP rs1313701099, ClinGen allele CA394187452.